The following is an entry in ClinVar:

NM_015072.5(TTLL5):c.863A>T (p.Glu288Val)

Gene: TTLL5 (tubulin tyrosine ligase like 5; plus strand). Cytogenetic location: 14q24.3.
Variant type: single nucleotide variant.
Coding change: c.863A>T on transcript NM_015072.5 (MANE Select); coding-DNA position 863, A replaced by T.
Protein change: p.Glu288Val; replaces glutamic acid 288 with valine.
Molecular consequence: missense variant.
Genome position (GRCh38, 1-based): chr14:75,719,755, A>T. VCF-style: chr14-75719755-A-T. GRCh37 (hg19) VCF-style: chr14-76186098-A-T.
Other names: short protein forms E288V.
Identifiers: ClinVar variation 1350966 (VCV001350966.8), dbSNP rs2140202527, ClinGen allele CA390458438.

ClinVar aggregate classification (germline): Uncertain significance (1 of 4 stars; one submission).

Submission:

Labcorp Genetics (formerly Invitae), Labcorp
Classification: Uncertain significance. Last evaluated: 2024-11-18. Review status: criteria provided, single submitter. Criteria: Invitae Variant Classification Sherloc (09022015). Collection method: clinical testing. Allele origin: germline.
Comment: This sequence change replaces glutamic acid, which is acidic and polar, with valine, which is neutral and non-polar, at codon 288 of the TTLL5 protein (p.Glu288Val). This variant is not present in population databases (gnomAD no frequency). This variant has not been reported in the literature in individuals affected with TTLL5-related conditions. ClinVar contains an entry for this variant (Variation ID: 1350966). Invitae Evidence Modeling of protein sequence and biophysical properties (such as structural, functional, and spatial information, amino acid conservation, physicochemical variation, residue mobility, and thermodynamic stability) has been performed for this missense variant. However, the output from this modeling did not meet the statistical confidence thresholds required to predict the impact of this variant on TTLL5 protein function. In summary, the available evidence is currently insufficient to determine the role of this variant in disease. Therefore, it has been classified as a Variant of Uncertain Significance.